The following is an entry in ClinVar:

NM_018699.4(PRDM5):c.775G>A (p.Asp259Asn)

Gene: PRDM5 (PR/SET domain 5; minus strand). Cytogenetic location: 4q27.
Variant type: single nucleotide variant.
Coding change: c.775G>A on transcript NM_018699.4 (MANE Select); coding-DNA position 775, G replaced by A.
Protein change: p.Asp259Asn; replaces aspartic acid 259 with asparagine.
Molecular consequence: missense variant.
Genome position (GRCh38, 1-based): chr4:120,816,543, C>T on the plus strand (G>A on the coding strand, the complement: PRDM5 is on the minus strand). VCF-style: chr4-120816543-C-T. GRCh37 (hg19) VCF-style: chr4-121737698-C-T.
Other names: c.682G>A, p.Asp228Asn (NM_001300823.2, NM_001300824.2, NM_001379106.1); c.775G>A, p.Asp259Asn (NM_001379104.1); short protein forms D228N, D259N.
Identifiers: ClinVar variation 4281063 (VCV004281063.7).
Genomic context (GRCh38, chr4:120,816,543, plus strand): 5'-GGGCATCCTTGCTCTTCAGCCTCTTTCCACAGCTGTCAGCCTTGCACACAAACCTGGCAT[C>T]CCCCCGGCAAGTCTCCTGGTGCTGCTCAAAACTACAAGACAACCAGCAAAGCGGAACAGG-3'
Protein context (NP_061169.2, residues 249-269): FEQHQETCRG[Asp259Asn]ARFVCKADSC

ClinVar aggregate classification (germline): Uncertain significance (1 of 4 stars; one submission).

gnomAD v4.1: 1 of 1,614,070 alleles (0.000062%); highest among the groups gnomAD compares: Non-Finnish European, 0.000085%; no homozygotes.

Submission:

CeGaT Center for Human Genetics Tuebingen
Classification: Uncertain significance. Last evaluated: 2025-09-01. Review status: criteria provided, single submitter. Criteria: CeGaT Center For Human Genetics Tuebingen Variant Classification Criteria Version 2. Collection method: clinical testing. Allele origin: germline. Affected: yes. Observed: 1 variant allele.
Comment: PRDM5: PM2, BP4